The following is an entry in ClinVar:

ClinVar aggregate classification (germline): Benign/Likely benign. Review status: criteria provided, multiple submitters, no conflicts (2 of 4 stars). 3 submissions from 3 submitters: Benign (1); Likely benign (2). Last evaluated 2025-09-18.

Conditions:
Hereditary cancer-predisposing syndrome. Also called: Hereditary neoplastic syndrome; Tumor predisposition; Neoplastic Syndromes, Hereditary; Hereditary Cancer Syndrome. Identifiers: Orphanet 140162, MedGen C0027672, MeSH D009386, MONDO:0015356.
Tuberous sclerosis 2 (TSC2). Identifiers: Orphanet 805, MedGen C1860707, MONDO:0013199, OMIM 613254.

gnomAD v4.1: 1 of 1,612,882 alleles (0.000062%); highest among the groups gnomAD compares: Non-Finnish European, 0.000085%; no homozygotes.

Submissions (3):

Ambry Genetics
Classification: Likely benign for Hereditary cancer-predisposing syndrome. Last evaluated: 2025-09-18. Review status: criteria provided, single submitter. Criteria: Ambry Variant Classification Scheme 2023. Collection method: clinical testing. Allele origin: germline.

Myriad Genetics, Inc.
Classification: Benign for Tuberous sclerosis 2. Last evaluated: 2025-06-06. Review status: criteria provided, single submitter. Criteria: Myriad Autosomal Dominant, Autosomal Recessive and X-Linked Classification Criteria (2023). Collection method: clinical testing. Allele origin: unknown.
Comment: This variant is considered benign. This variant is a silent/synonymous amino acid change and it is not expected to impact splicing.

Labcorp Genetics (formerly Invitae), Labcorp
Classification: Likely benign for Tuberous sclerosis 2. Last evaluated: 2025-02-17. Review status: criteria provided, single submitter. Criteria: Invitae Variant Classification Sherloc (09022015). Collection method: clinical testing. Allele origin: germline.

NM_000548.5(TSC2):c.5277C>T (p.Ala1759=)

Gene: TSC2 (TSC complex subunit 2; plus strand). Cytogenetic location: 16p13.3.
Variant type: single nucleotide variant.
Coding change: c.5277C>T on transcript NM_000548.5 (MANE Select); coding-DNA position 5277, C replaced by T.
Protein change: p.Ala1759=; no amino-acid change (alanine 1759 retained).
Molecular consequence: synonymous variant.
Genome position (GRCh38, 1-based): chr16:2,088,463, C>T. VCF-style: chr16-2088463-C-T. GRCh37 (hg19) VCF-style: chr16-2138464-C-T.
Other names: c.5079C>T, p.Ala1693= (NM_001363528.2); c.5145C>T, p.Ala1715= (NM_001370404.1); c.5136C>T, p.Ala1712= (NM_001370405.1); c.5148C>T, p.Ala1716= (NM_021055.3); c.4968C>T, p.Ala1656= (NM_001318827.2); c.4932C>T, p.Ala1644= (NM_001318829.2); c.4545C>T, p.Ala1515= (NM_001318831.2); c.5109C>T, p.Ala1703= (NM_001318832.2); and 3 more.
Identifiers: ClinVar variation 1147395 (VCV001147395.12), dbSNP rs2151638252, ClinGen allele CA493043659.